The following is an entry in ClinVar:

ClinVar aggregate classification (germline): Likely benign. Review status: criteria provided, multiple submitters, no conflicts (2 of 4 stars). 3 submissions from 3 submitters: Likely benign (3). Last evaluated 2025-06-20.

Conditions:
Osteogenesis imperfecta type I (OI1). Also called: Lobstein's Disease; Classic Non-deforming Osteogenesis Imperfecta with Blue Sclerae; Lobstein disease; OI, TYPE I; OSTEOGENESIS IMPERFECTA TARDA; OSTEOGENESIS IMPERFECTA WITH BLUE SCLERAE. Identifiers: Orphanet 216796, Orphanet 666, MedGen C0023931, MONDO:0008146, OMIM 166200. Disease mechanism: loss of function.
Ehlers-Danlos syndrome, classic type, 1 (EDSCL1). Also called: Ehlers-Danlos syndrome, type 1; Ehlers-Danlos Syndrome, Classic Type, COL5A1-Related; EDS I; EHLERS-DANLOS SYNDROME, GRAVIS TYPE; EHLERS-DANLOS SYNDROME, SEVERE CLASSIC TYPE. Identifiers: MedGen C0268335, MONDO:0019567, OMIM 130000.
Cardiovascular phenotype. Identifiers: MedGen CN230736.

gnomAD v4.1: 9 of 1,613,768 alleles (0.00056%); highest among the groups gnomAD compares: Non-Finnish European, 0.00068%; no homozygotes.

Submissions (3):

Ambry Genetics
Classification: Likely benign for Cardiovascular phenotype. Last evaluated: 2025-06-20. Review status: criteria provided, single submitter. Criteria: Ambry Variant Classification Scheme 2023. Collection method: clinical testing. Allele origin: germline.

Mayo Clinic Laboratories, Mayo Clinic
Classification: Likely benign. Last evaluated: 2025-06-16. Review status: criteria provided, single submitter. Criteria: ACMG Guidelines, 2015. Collection method: clinical testing. Allele origin: germline. Observed: 1 variant allele.
Comment: BP4, BP7, PM2_supporting

Labcorp Genetics (formerly Invitae), Labcorp
Classification: Likely benign for Osteogenesis imperfecta type I; Ehlers-Danlos syndrome, classic type, 1. Last evaluated: 2025-05-17. Review status: criteria provided, single submitter. Criteria: Invitae Variant Classification Sherloc (09022015). Collection method: clinical testing. Allele origin: germline.

NM_000089.4(COL1A2):c.1041G>A (p.Glu347=)

Gene: COL1A2 (collagen type I alpha 2 chain; plus strand). Cytogenetic location: 7q21.3.
Variant type: single nucleotide variant.
Coding change: c.1041G>A on transcript NM_000089.4 (MANE Select); coding-DNA position 1041, G replaced by A.
Protein change: p.Glu347=; no amino-acid change (glutamic acid 347 retained).
Molecular consequence: synonymous variant.
Genome position (GRCh38, 1-based): chr7:94,410,247, G>A. VCF-style: chr7-94410247-G-A. GRCh37 (hg19) VCF-style: chr7-94039559-G-A.
Other names: p.Glu347=.
Identifiers: ClinVar variation 766593 (VCV000766593.14), dbSNP rs1584319702, ClinGen allele CA456488457.